The following is an entry in ClinVar:

NM_019842.4(KCNQ5):c.1814G>A (p.Arg605Gln)

Gene: KCNQ5 (potassium voltage-gated channel subfamily Q member 5; plus strand). Cytogenetic location: 6q13.
Variant type: single nucleotide variant.
Coding change: c.1814G>A on transcript NM_019842.4 (MANE Select); coding-DNA position 1814, G replaced by A.
Protein change: p.Arg605Gln; replaces arginine 605 with glutamine.
Molecular consequence: missense variant.
Genome position (GRCh38, 1-based): chr6:73,192,669, G>A. VCF-style: chr6-73192669-G-A. GRCh37 (hg19) VCF-style: chr6-73902392-G-A.
Other names: c.1787G>A, p.Arg596Gln (NM_001160130.2); c.1844G>A, p.Arg615Gln (NM_001160132.2); c.1871G>A, p.Arg624Gln (NM_001160133.2); c.1484G>A, p.Arg495Gln (NM_001160134.2); short protein forms R495Q, R596Q, R605Q, R615Q, R624Q.
Identifiers: ClinVar variation 3066180 (VCV003066180.1), dbSNP rs1390470611, ClinGen allele CA364693708.

ClinVar aggregate classification (germline): Uncertain significance (1 of 4 stars; one submission).

Conditions:
Intellectual developmental disorder, autosomal dominant 46. Also called: MENTAL RETARDATION, AUTOSOMAL DOMINANT 46; Intellectual disability, autosomal dominant 46. Identifiers: MedGen C4539851, MONDO:0030911, OMIM 617601.

gnomAD v4.1: 6 of 1,598,054 alleles (0.00038%); highest among the groups gnomAD compares: Non-Finnish European, 0.00026%; no homozygotes.

Submission:

MVZ Medizinische Genetik Mainz
Classification: Uncertain significance for Intellectual developmental disorder, autosomal dominant 46. Last evaluated: 2023-11-22. Review status: criteria provided, single submitter. Criteria: UK Practice Guidelines For Variant Classification V4 01 2020. Collection method: clinical testing. Allele origin: germline. Inheritance: Autosomal dominant inheritance. Affected: yes. Observed: 1 variant allele.
Comment: ACMG Criteria: PP3_MOD,PM2_SUP